The following is an entry in ClinVar:

ClinVar aggregate classification (germline): Uncertain significance (1 of 4 stars; one submission).

Conditions:
Mowat-Wilson syndrome (MOWS). Also called: Classic Mowat-Wilson Syndrome. Identifiers: Orphanet 2152, MedGen C1856113, MONDO:0009341, OMIM 235730.

gnomAD v4.1: 1 of 1,614,180 alleles (0.000062%); highest among the groups gnomAD compares: Non-Finnish European, 0.000085%; no homozygotes.

Submission:

Labcorp Genetics (formerly Invitae), Labcorp
Classification: Uncertain significance for Mowat-Wilson syndrome. Last evaluated: 2025-02-17. Review status: criteria provided, single submitter. Criteria: Invitae Variant Classification Sherloc (09022015). Collection method: clinical testing. Allele origin: germline.
Comment: This sequence change replaces glycine, which is neutral and non-polar, with aspartic acid, which is acidic and polar, at codon 440 of the ZEB2 protein (p.Gly440Asp). This variant is not present in population databases (gnomAD no frequency). This variant has not been reported in the literature in individuals affected with ZEB2-related conditions. Invitae Evidence Modeling of protein sequence and biophysical properties (such as structural, functional, and spatial information, amino acid conservation, physicochemical variation, residue mobility, and thermodynamic stability) indicates that this missense variant is not expected to disrupt ZEB2 protein function with a negative predictive value of 80%. In summary, the available evidence is currently insufficient to determine the role of this variant in disease. Therefore, it has been classified as a Variant of Uncertain Significance.

NM_014795.4(ZEB2):c.1319G>A (p.Gly440Asp)

Gene: ZEB2 (zinc finger E-box binding homeobox 2; minus strand). Cytogenetic location: 2q22.3.
Variant type: single nucleotide variant.
Coding change: c.1319G>A on transcript NM_014795.4 (MANE Select); coding-DNA position 1319, G replaced by A.
Protein change: p.Gly440Asp; replaces glycine 440 with aspartic acid.
Molecular consequence: missense variant.
Genome position (GRCh38, 1-based): chr2:144,399,868, C>T on the plus strand (G>A on the coding strand, the complement: ZEB2 is on the minus strand). VCF-style: chr2-144399868-C-T. GRCh37 (hg19) VCF-style: chr2-145157435-C-T.
Other names: c.1247G>A, p.Gly416Asp (NM_001171653.2); short protein forms G416D, G440D.
Identifiers: ClinVar variation 4799496 (VCV004799496.1).